The following is an entry in ClinVar:

ClinVar aggregate classification (germline): Pathogenic/Likely pathogenic. Review status: criteria provided, multiple submitters, no conflicts (2 of 4 stars). 2 submissions from 2 submitters: Pathogenic (1); Likely pathogenic (1). Last evaluated 2025-10-03.

Conditions:
Dent disease type 2. Identifiers: Orphanet 1652, Orphanet 93623, MedGen C1845167, MONDO:0010359, OMIM 300555.
Lowe syndrome (OCRL). Also called: PHOSPHATIDYLINOSITOL 4,5-BISPHOSPHATE 5-PHOSPHATASE DEFICIENCY; LOWE OCULOCEREBRORENAL SYNDROME; Oculocerebrorenal Syndrome. Identifiers: Orphanet 534, MedGen C0028860, MONDO:0010645, OMIM 309000.

Submissions (2):

Rare Kidney Stone Consortium and the Mayo Clinic Hyperoxaluria Center, Mayo Clinic
Classification: Pathogenic for Dent disease type 2; Lowe syndrome. Last evaluated: 2025-10-03. Review status: criteria provided, single submitter. Criteria: ACMG Guidelines, 2015. Collection method: research. Allele origin: germline. Affected: yes. Observed: 1 variant allele.
Comment: ACMG:PVS1, PM2, PP5

Labcorp Genetics (formerly Invitae), Labcorp
Classification: Likely pathogenic for Lowe syndrome. Last evaluated: 2017-10-29. Review status: criteria provided, single submitter. Criteria: Invitae Variant Classification Sherloc (09022015). Collection method: clinical testing. Allele origin: germline.
Comment: This variant has not been reported in the literature in individuals with OCRL-related disease. Algorithms developed to predict the effect of sequence changes on RNA splicing suggest that this variant may disrupt the consensus splice site, but this prediction has not been confirmed by published transcriptional studies. Donor and acceptor splice site variants typically lead to a loss of protein function (PMID: 16199547), and loss-of-function variants in OCRL are known to be pathogenic (PMID: 21031565, 22381590). In summary, the currently available evidence indicates that the variant is pathogenic, but additional data are needed to prove that conclusively. Therefore, this variant has been classified as Likely Pathogenic. This sequence change affects a donor splice site in intron 7 of the OCRL gene. It is expected to disrupt RNA splicing and likely results in an absent or disrupted protein product. This variant is not present in population databases (ExAC no frequency).

Literature cited by the submitters: PubMed 34680992 (cited by Rare Kidney Stone Consortium and the Mayo Clinic Hyperoxaluria Center, Mayo Clinic); PubMed 40794449 (cited by Rare Kidney Stone Consortium and the Mayo Clinic Hyperoxaluria Center, Mayo Clinic); PubMed 16199547 (cited by Labcorp Genetics (formerly Invitae), Labcorp); PubMed 21031565 (cited by Labcorp Genetics (formerly Invitae), Labcorp); PubMed 22381590 (cited by Labcorp Genetics (formerly Invitae), Labcorp).

NM_000276.4(OCRL):c.560+1G>C

Gene: OCRL (OCRL inositol polyphosphate-5-phosphatase; plus strand). Cytogenetic location: Xq26.1.
Variant type: single nucleotide variant.
Coding change: c.560+1G>C on transcript NM_000276.4 (MANE Select); the canonical splice donor site of the intron after coding-DNA position 560, G replaced by C.
Molecular consequence: splice donor variant.
Genome position (GRCh38, 1-based): chrX:129,558,754, G>C. VCF-style: chrX-129558754-G-C. GRCh37 (hg19) VCF-style: chrX-128692731-G-C.
Other names: c.563+1G>C (NM_001318784.2); c.560+1G>C (NM_001587.4).
Identifiers: ClinVar variation 578751 (VCV000578751.8), dbSNP rs1569458883, ClinGen allele CA414551530.
Genomic context (GRCh38, chrX:129,558,754, plus strand): 5'-AAATCAGCCTACTGGGATTCATCGGGAACCCCCACCTCCACCCTTTTCAGTGAATAAAAT[G>C]TAAGTCCCATGTGAAAACATATTTGCCTTGTAGGAGAATTATAGTTTAAACAATTTTACT-3'